The following is an entry in ClinVar:

NM_006231.4(POLE):c.1188G>A (p.Glu396=)

Gene: POLE (DNA polymerase epsilon, catalytic subunit; minus strand). Cytogenetic location: 12q24.33.
Variant type: single nucleotide variant.
Coding change: c.1188G>A on transcript NM_006231.4 (MANE Select); coding-DNA position 1188, G replaced by A.
Protein change: p.Glu396=; no amino-acid change (glutamic acid 396 retained).
Molecular consequence: synonymous variant.
Genome position (GRCh38, 1-based): chr12:132,675,436, C>T on the plus strand (G>A on the coding strand, the complement: POLE is on the minus strand). VCF-style: chr12-132675436-C-T. GRCh37 (hg19) VCF-style: chr12-133252022-C-T.
Identifiers: ClinVar variation 413556 (VCV000413556.74), dbSNP rs371717068, ClinGen allele CA6894050.

ClinVar aggregate classification (germline): Benign/Likely benign. Review status: criteria provided, multiple submitters, no conflicts (2 of 4 stars). 7 submissions from 7 submitters: Benign (3); Likely benign (3). 1 of the submissions does not count toward it. Last evaluated 2026-01-20.

Conditions:
POLE-related disorder. Also called: POLE-related condition; POLE-related disorders.
Colorectal cancer, susceptibility to, 12 (CRCS12). Also called: COLORECTAL CANCER, SUSCEPTIBILITY TO, ON CHROMOSOME 12q24. Identifiers: Orphanet 220460, MedGen C3554460, MONDO:0014038, OMIM 615083.
Hereditary cancer-predisposing syndrome. Also called: Neoplastic Syndromes, Hereditary; Tumor predisposition; Hereditary Cancer Syndrome; Hereditary neoplastic syndrome. Identifiers: Orphanet 140162, MedGen C0027672, MeSH D009386, MONDO:0015356.

Allele frequency attached by ClinVar (database versions not stated): gnomAD exomes 0.00001 and 0.00004; ExAC 0.00007; gnomAD 0.00013 and 0.00014; TOPMed 0.00013; ESP Exome Variant Server 0.00023.

Submissions (7):

Labcorp Genetics (formerly Invitae), Labcorp
Classification: Likely benign. Last evaluated: 2026-01-20. Review status: criteria provided, single submitter. Criteria: Invitae Variant Classification Sherloc (09022015). Collection method: clinical testing. Allele origin: germline.

Ambry Genetics
Classification: Likely benign for Hereditary cancer-predisposing syndrome. Last evaluated: 2025-08-24. Review status: criteria provided, single submitter. Criteria: Ambry Variant Classification Scheme 2023. Collection method: clinical testing. Allele origin: germline.

Myriad Genetics, Inc.
Classification: Benign for Colorectal cancer, susceptibility to, 12. Last evaluated: 2025-02-10. Review status: criteria provided, single submitter. Criteria: Myriad Autosomal Dominant, Autosomal Recessive and X-Linked Classification Criteria (2023). Collection method: clinical testing. Allele origin: unknown.
Comment: This variant is considered benign. This variant is a silent/synonymous amino acid change and it is not expected to impact splicing.

Quest Diagnostics Nichols Institute San Juan Capistrano
Classification: Benign. Last evaluated: 2021-01-04. Review status: criteria provided, single submitter. Criteria: Quest Diagnostics criteria. Collection method: clinical testing. Allele origin: unknown.

Sema4
Classification: Benign for Hereditary cancer-predisposing syndrome. Last evaluated: 2020-10-23. Review status: criteria provided, single submitter. Criteria: Sema4 Curation Guidelines. Collection method: curation. Allele origin: germline.

GeneDx
Classification: Likely benign. Last evaluated: 2019-02-18. Review status: criteria provided, single submitter. Criteria: GeneDx Variant Classification Process June 2021. Collection method: clinical testing. Allele origin: germline. Affected: yes.

PreventionGenetics, part of Exact Sciences
Classification: Likely benign for POLE-related condition. Last evaluated: 2020-05-07. Review status: no assertion criteria provided. Collection method: clinical testing. Allele origin: germline. Not counted in ClinVar's aggregate classification.
Comment: This variant is classified as likely benign based on ACMG/AMP sequence variant interpretation guidelines (Richards et al. 2015 PMID: 25741868, with internal and published modifications).